The following is an entry in ClinVar:

NM_001267550.2(TTN):c.92568T>A (p.Tyr30856Ter)

Genes: TTN (titin; minus strand), TTN-AS1 (TTN antisense RNA 1; plus strand). Cytogenetic location: 2q31.2.
Variant type: single nucleotide variant.
Coding change: c.92568T>A on transcript NM_001267550.2 (MANE Select); coding-DNA position 92568, T replaced by A.
Protein change: p.Tyr30856Ter; replaces tyrosine 30856 with a stop codon.
Molecular consequence: nonsense.
Genome position (GRCh38, 1-based): chr2:178,549,058, A>T on the plus strand (T>A on the coding strand, the complement: TTN is on the minus strand). VCF-style: chr2-178549058-A-T. GRCh37 (hg19) VCF-style: chr2-179413785-A-T.
Other names: c.87645T>A, p.Tyr29215Ter (NM_001256850.1); c.65373T>A, p.Tyr21791Ter (NM_003319.4); c.84864T>A, p.Tyr28288Ter (NM_133378.4); c.65748T>A, p.Tyr21916Ter (NM_133432.3); c.65949T>A, p.Tyr21983Ter (NM_133437.4); short protein forms Y21916*, Y29215*, Y30856*, Y21791*, Y21983*, Y28288*.
Identifiers: ClinVar variation 1754087 (VCV001754087.2), dbSNP rs1296831661, ClinGen allele CA349492722.

ClinVar aggregate classification (germline): Likely pathogenic (1 of 4 stars; one submission).

Conditions:
Cardiovascular phenotype. Identifiers: MedGen CN230736.

Submission:

Ambry Genetics
Classification: Likely pathogenic for Cardiovascular phenotype. Last evaluated: 2019-05-29. Review status: criteria provided, single submitter. Criteria: Ambry Variant Classification Scheme 2023. Collection method: clinical testing. Allele origin: germline.
Comment: The p.Y21791* variant (also known as c.65373T>A), located in coding exon 166 of the TTN gene, results from a T to A substitution at nucleotide position 65373. This changes the amino acid from a tyrosine to a stop codon within coding exon 166. This exon is located in the A-band region of the N2-B isoform of the titin protein and is constitutively expressed in TTN transcripts (percent spliced in or PSI 100%). This alteration is expected to result in loss of function by premature protein truncation or nonsense-mediated mRNA decay. While truncating variants in TTN are present in 1-3% of the general population, truncating variants in the A-band are the most common cause of dilated cardiomyopathy (DCM) (Herman DS et al. N. Engl. J. Med., 2012 Feb;366:619-28; Roberts AM et al. Sci Transl Med, 2015 Jan;7:270ra6). TTN truncating variants encoded in constitutive exons (PSI >90%) have been found to be significantly associated with DCM regardless of their position in titin (Schafer S et al. Nat. Genet., 2017 01;49:46-53). As such, this alteration is classified as likely pathogenic.